The following is an entry in ClinVar:

NM_001278064.2(GRM1):c.1754A>G (p.Tyr585Cys)

Gene: GRM1 (glutamate metabotropic receptor 1; plus strand). Cytogenetic location: 6q24.3.
Variant type: single nucleotide variant.
Coding change: c.1754A>G on transcript NM_001278064.2 (MANE Select); coding-DNA position 1754, A replaced by G.
Protein change: p.Tyr585Cys; replaces tyrosine 585 with cysteine.
Molecular consequence: missense variant.
Genome position (GRCh38, 1-based): chr6:146,398,793, A>G. VCF-style: chr6-146398793-A-G. GRCh37 (hg19) VCF-style: chr6-146719929-A-G.
Other names: NM_000838.3:c.1754A>G; c.1754A>G, p.Tyr585Cys (NM_001278065.2, NM_001278066.1, NM_001278067.1); short protein forms Y585C.
Identifiers: ClinVar variation 995107 (VCV000995107.6), dbSNP rs754787480, ClinGen allele CA4037373.

ClinVar aggregate classification (germline): Uncertain significance. Review status: criteria provided, multiple submitters, no conflicts (2 of 4 stars). 3 submissions from 3 submitters: Uncertain significance (3). Last evaluated 2021-12-28.

Conditions:
Inborn genetic diseases. Identifiers: MedGen C0950123, MeSH D030342.
Spinocerebellar ataxia 44. Identifiers: Orphanet 631095, MedGen C4521563, MONDO:0033479, OMIM 617691.
Autosomal recessive spinocerebellar ataxia 13. Identifiers: Orphanet 324262, MedGen C3553816, MONDO:0013905, OMIM 614831.

Allele frequency attached by ClinVar (database versions not stated): ExAC 0.00002; TOPMed 0.00004; gnomAD 0.00001; gnomAD exomes 0.00001.
gnomAD v4.1: 6 of 1,613,052 alleles (0.00037%); highest among the groups gnomAD compares: African/African-American, 0.0053%; no homozygotes.

Submissions (3):

Ambry Genetics
Classification: Uncertain significance for Inborn genetic diseases. Last evaluated: 2021-12-28. Review status: criteria provided, single submitter. Criteria: Ambry Variant Classification Scheme 2023. Collection method: clinical testing. Allele origin: germline.

Athena Diagnostics
Classification: Uncertain significance. Last evaluated: 2020-04-06. Review status: criteria provided, single submitter. Criteria: Athena Diagnostics Criteria. Collection method: clinical testing. Allele origin: unknown.

Juno Genomics, Hangzhou Juno Genomics, Inc
Classification: Uncertain significance for Spinocerebellar ataxia 44; Autosomal recessive spinocerebellar ataxia 13. Review status: criteria provided, single submitter. Criteria: ACMG Guidelines, 2015. Collection method: clinical testing. Allele origin: germline.
Comment: Absent from controls (or at extremely low frequency if recessive) in Genome Aggregation Database.;Multiple lines of computational evidence support a deleterious effect on the gene or gene product.;Missense variant in a gene that has a low rate of benign missense variation.